The following is an entry in ClinVar:

ClinVar aggregate classification (germline): Uncertain significance (1 of 4 stars; one submission).

Conditions:
Congenital hypothyroidism. Identifiers: Orphanet 442, MedGen C0010308, MONDO:0018612, HP:0000851.

Submission:

Cambridge Genomics Laboratory, East Genomic Laboratory Hub, NHS Genomic Medicine Service
Classification: Uncertain significance for Congenital hypothyroidism. Last evaluated: 2024-11-14. Review status: criteria provided, single submitter. Criteria: ACGS Best Practice Guidelines for Variant Classification in Rare Disease 2020. Collection method: clinical testing. Allele origin: germline. Affected: yes.
Comment: PM2,BP4

NM_207581.4(DUOXA2):c.692C>T (p.Pro231Leu)

Gene: DUOXA2 (dual oxidase maturation factor 2; plus strand). Cytogenetic location: 15q21.1.
Variant type: single nucleotide variant.
Coding change: c.692C>T on transcript NM_207581.4 (MANE Select); coding-DNA position 692, C replaced by T.
Protein change: p.Pro231Leu; replaces proline 231 with leucine.
Molecular consequence: missense variant.
Genome position (GRCh38, 1-based): chr15:45,117,228, C>T. VCF-style: chr15-45117228-C-T. GRCh37 (hg19) VCF-style: chr15-45409426-C-T.
Other names: short protein forms P231L.
Identifiers: ClinVar variation 4682126 (VCV004682126.1).